The following is an entry in ClinVar:

ClinVar aggregate classification (germline): Uncertain significance (1 of 4 stars; one submission).

Conditions:
Hereditary hyperekplexia. Identifiers: Orphanet 3197, MedGen C4084968, MONDO:0021022.

Submission:

Labcorp Genetics (formerly Invitae), Labcorp
Classification: Uncertain significance for Hereditary hyperekplexia. Last evaluated: 2023-03-16. Review status: criteria provided, single submitter. Criteria: Invitae Variant Classification Sherloc (09022015). Collection method: clinical testing. Allele origin: germline.
Comment: In summary, the available evidence is currently insufficient to determine the role of this variant in disease. Therefore, it has been classified as a Variant of Uncertain Significance. Advanced modeling of protein sequence and biophysical properties (such as structural, functional, and spatial information, amino acid conservation, physicochemical variation, residue mobility, and thermodynamic stability) has been performed at Invitae for this missense variant, however the output from this modeling did not meet the statistical confidence thresholds required to predict the impact of this variant on GLRA1 protein function. This variant has not been reported in the literature in individuals affected with GLRA1-related conditions. This variant is not present in population databases (gnomAD no frequency). This sequence change replaces tryptophan, which is neutral and slightly polar, with serine, which is neutral and polar, at codon 12 of the GLRA1 protein (p.Trp12Ser).

NM_000171.4(GLRA1):c.35G>C (p.Trp12Ser)

Gene: GLRA1 (glycine receptor alpha 1; minus strand). Cytogenetic location: 5q33.1.
Variant type: single nucleotide variant.
Coding change: c.35G>C on transcript NM_000171.4 (MANE Select); coding-DNA position 35, G replaced by C.
Protein change: p.Trp12Ser; replaces tryptophan 12 with serine.
Molecular consequence: missense variant. On other transcripts: 5 prime UTR variant (1).
Genome position (GRCh38, 1-based): chr5:151,924,515, C>G on the plus strand (G>C on the coding strand, the complement: GLRA1 is on the minus strand). VCF-style: chr5-151924515-C-G. GRCh37 (hg19) VCF-style: chr5-151304076-C-G.
Other names: c.35G>C, p.Trp12Ser (NM_001146040.2); c.-87G>C (NM_001292000.2); short protein forms W12S.
Identifiers: ClinVar variation 2827772 (VCV002827772.3), dbSNP rs1401506164, ClinGen allele CA361899974.